The following is an entry in ClinVar:

NM_000059.4(BRCA2):c.329C>T (p.Pro110Leu)

Gene: BRCA2 (BRCA2 DNA repair associated; plus strand). Cytogenetic location: 13q13.1.
Variant type: single nucleotide variant.
Coding change: c.329C>T on transcript NM_000059.4 (MANE Select); coding-DNA position 329, C replaced by T.
Protein change: p.Pro110Leu; replaces proline 110 with leucine.
Molecular consequence: missense variant.
Genome position (GRCh38, 1-based): chr13:32,325,088, C>T. VCF-style: chr13-32325088-C-T. GRCh37 (hg19) VCF-style: chr13-32899225-C-T.
Other names: short protein forms P110L.
Identifiers: ClinVar variation 1171114 (VCV001171114.3), dbSNP rs2137446083, ClinGen allele CA387756532.
Genomic context (GRCh38, chr13:32,325,088, plus strand): 5'-TATAATCCAGAGTATATACATTCTCACTGAATTATTGTACTGTTTCAGGAAGGAATGTTC[C>T]CAATAGTAGACATAAAAGTCTTCGCACAGTGAAAACTAAAATGGATCAAGCAGATGATGT-3'
Protein context (NP_000050.3, residues 100-120): KFKLDLGRNV[Pro110Leu]NSRHKSLRTV

ClinVar aggregate classification (germline): Uncertain significance. Review status: criteria provided, multiple submitters, no conflicts (2 of 4 stars). 2 submissions from 2 submitters: Uncertain significance (2). Last evaluated 2025-04-01.

Conditions:
Hereditary cancer-predisposing syndrome. Also called: Tumor predisposition; Hereditary neoplastic syndrome; Hereditary Cancer Syndrome; Neoplastic Syndromes, Hereditary. Identifiers: Orphanet 140162, MedGen C0027672, MeSH D009386, MONDO:0015356.

Submissions (2):

Ambry Genetics
Classification: Uncertain significance for Hereditary cancer-predisposing syndrome. Last evaluated: 2025-04-01. Review status: criteria provided, single submitter. Criteria: Ambry Variant Classification Scheme 2023. Collection method: clinical testing. Allele origin: germline.
Comment: The p.P110L variant (also known as c.329C>T), located in coding exon 3 of the BRCA2 gene, results from a C to T substitution at nucleotide position 329. The proline at codon 110 is replaced by leucine, an amino acid with similar properties. This amino acid position is poorly conserved in available vertebrate species. In addition, this alteration is predicted to be tolerated by in silico analysis. Based on the available evidence, the clinical significance of this variant remains unclear.

Color Diagnostics, LLC DBA Color Health
Classification: Uncertain significance for Hereditary cancer-predisposing syndrome. Last evaluated: 2020-09-29. Review status: criteria provided, single submitter. Criteria: ACMG Guidelines, 2015. Collection method: clinical testing. Allele origin: germline.
Comment: This missense variant replaces proline with leucine at codon 110 of the BRCA2 protein. Computational prediction suggests that this variant may not impact protein structure and function (internally defined REVEL score threshold <= 0.5, PMID: 27666373). To our knowledge, functional studies have not been reported for this variant. This variant has not been reported in individuals affected with hereditary cancer in the literature. This variant has not been identified in the general population by the Genome Aggregation Database (gnomAD). The available evidence is insufficient to determine the role of this variant in disease conclusively. Therefore, this variant is classified as a Variant of Uncertain Significance.